The following is an entry in ClinVar:

ClinVar aggregate classification (germline): Likely benign. Review status: criteria provided, multiple submitters, no conflicts (2 of 4 stars). 3 submissions from 3 submitters: Likely benign (3). Last evaluated 2026-01-13.

Conditions:
Dilated cardiomyopathy 1G (CMD1G). Identifiers: Orphanet 154, MedGen C1858763, MONDO:0011400, OMIM 604145.
Autosomal recessive limb-girdle muscular dystrophy type 2J (LGMDR10). Also called: Limb-girdle muscular dystrophy, type 2J; MUSCULAR DYSTROPHY, LIMB-GIRDLE, AUTOSOMAL RECESSIVE 10. Identifiers: Orphanet 140922, MedGen C1837342, MONDO:0012127, OMIM 608807.
Cardiovascular phenotype. Identifiers: MedGen CN230736.

Allele frequency attached by ClinVar (database versions not stated): gnomAD exomes below 0.00001; gnomAD 0.00001; TOPMed 0.00001; ESP Exome Variant Server 0.00008.
gnomAD v4.1: 2 of 1,613,816 alleles (0.00012%); highest among the groups gnomAD compares: Non-Finnish European, 0.00017%; no homozygotes.

Submissions (3):

Labcorp Genetics (formerly Invitae), Labcorp
Classification: Likely benign for Dilated cardiomyopathy 1G; Autosomal recessive limb-girdle muscular dystrophy type 2J. Last evaluated: 2026-01-13. Review status: criteria provided, single submitter. Criteria: Invitae Variant Classification Sherloc (09022015). Collection method: clinical testing. Allele origin: germline.

Ambry Genetics
Classification: Likely benign for Cardiovascular phenotype. Last evaluated: 2023-04-03. Review status: criteria provided, single submitter. Criteria: Ambry Variant Classification Scheme 2023. Collection method: clinical testing. Allele origin: germline.

GeneDx
Classification: Likely benign. Last evaluated: 2017-08-08. Review status: criteria provided, single submitter. Criteria: GeneDx Variant Classification (06012015). Collection method: clinical testing. Allele origin: germline. Affected: yes.
Comment: This variant is considered likely benign or benign based on one or more of the following criteria: it is a conservative change, it occurs at a poorly conserved position in the protein, it is predicted to be benign by multiple in silico algorithms, and/or has population frequency not consistent with disease.

NM_001267550.2(TTN):c.88704C>T (p.His29568=)

Genes: TTN (titin; minus strand), TTN-AS1 (TTN antisense RNA 1; plus strand). Cytogenetic location: 2q31.2.
Variant type: single nucleotide variant.
Coding change: c.88704C>T on transcript NM_001267550.2 (MANE Select); coding-DNA position 88704, C replaced by T.
Protein change: p.His29568=; no amino-acid change (histidine 29568 retained).
Molecular consequence: synonymous variant.
Genome position (GRCh38, 1-based): chr2:178,554,643, G>A on the plus strand (C>T on the coding strand, the complement: TTN is on the minus strand). VCF-style: chr2-178554643-G-A. GRCh37 (hg19) VCF-style: chr2-179419370-G-A.
Other names: c.83781C>T, p.His27927= (NM_001256850.1); c.61509C>T, p.His20503= (NM_003319.4); c.81000C>T, p.His27000= (NM_133378.4); c.61884C>T, p.His20628= (NM_133432.3); c.62085C>T, p.His20695= (NM_133437.4).
Identifiers: ClinVar variation 511411 (VCV000511411.10), dbSNP rs370093328, ClinGen allele CA1988102.
Genomic context (GRCh38, chr2:178,554,643, plus strand): 5'-CAAATGTTCAGACACCATAGACCACACAACGCGGCTTGTCTCACGCTTTTCCACAATGTA[G>A]TGAGTGATTTTTGCACCACCATCATCAGCTGGAGGCCGCCAGAGAAGGGTGATCTTCTCA-3'
Protein context (NP_001254479.2, residues 29558-29578): PADDGGAKIT[His29568=]YIVEKRETSR